The following is an entry in ClinVar:

ClinVar aggregate classification (germline): Uncertain significance (1 of 4 stars; one submission).

Allele frequency attached by ClinVar (database versions not stated): gnomAD exomes below 0.00001.
gnomAD v4.1: 3 of 1,613,902 alleles (0.00019%); highest among the groups gnomAD compares: Middle Eastern, 0.05%; no homozygotes.

Submission:

Labcorp Genetics (formerly Invitae), Labcorp
Classification: Uncertain significance. Last evaluated: 2021-01-04. Review status: criteria provided, single submitter. Criteria: Invitae Variant Classification Sherloc (09022015). Collection method: clinical testing. Allele origin: germline.
Comment: In summary, the available evidence is currently insufficient to determine the role of this variant in disease. Therefore, it has been classified as a Variant of Uncertain Significance. Algorithms developed to predict the effect of missense changes on protein structure and function are either unavailable or do not agree on the potential impact of this missense change (SIFT: "Deleterious"; PolyPhen-2: "Probably Damaging"; Align-GVGD: "Class C0"). This variant has not been reported in the literature in individuals with LTBP2-related conditions. This variant is not present in population databases (ExAC no frequency). This sequence change replaces aspartic acid with histidine at codon 1305 of the LTBP2 protein (p.Asp1305His). The aspartic acid residue is highly conserved and there is a moderate physicochemical difference between aspartic acid and histidine.

NM_000428.3(LTBP2):c.3913G>C (p.Asp1305His)

Gene: LTBP2 (latent transforming growth factor beta binding protein 2; minus strand). Cytogenetic location: 14q24.3.
Variant type: single nucleotide variant.
Coding change: c.3913G>C on transcript NM_000428.3 (MANE Select); coding-DNA position 3913, G replaced by C.
Protein change: p.Asp1305His; replaces aspartic acid 1305 with histidine.
Molecular consequence: missense variant.
Genome position (GRCh38, 1-based): chr14:74,506,818, C>G on the plus strand (G>C on the coding strand, the complement: LTBP2 is on the minus strand). VCF-style: chr14-74506818-C-G. GRCh37 (hg19) VCF-style: chr14-74973521-C-G.
Other names: short protein forms D1305H.
Identifiers: ClinVar variation 1362680 (VCV001362680.8), dbSNP rs1274436902, ClinGen allele CA390386959.